The following is an entry in ClinVar:

ClinVar aggregate classification (germline): Uncertain significance (1 of 4 stars; one submission).

Conditions:
Fanconi anemia (FA). Also called: Fanconi's anemia. Identifiers: Orphanet 84, MedGen C0015625, MeSH D005199, MONDO:0019391.

Submission:

Labcorp Genetics (formerly Invitae), Labcorp
Classification: Uncertain significance for Fanconi anemia. Last evaluated: 2025-10-24. Review status: criteria provided, single submitter. Criteria: Invitae Variant Classification Sherloc (09022015). Collection method: clinical testing. Allele origin: germline.
Comment: This sequence change affects codon 370 of the FANCF mRNA. It is a 'silent' change, meaning that it does not change the encoded amino acid sequence of the FANCF protein. This variant is not present in population databases (gnomAD no frequency). This variant has not been reported in the literature in individuals affected with FANCF-related conditions. In summary, the available evidence is currently insufficient to determine the role of this variant in disease. Therefore, it has been classified as a Variant of Uncertain Significance.

NM_022725.4(FANCF):c.1110C>G (p.Gly370=)

Gene: FANCF (FA complementation group F; minus strand). Cytogenetic location: 11p14.3.
Variant type: single nucleotide variant.
Coding change: c.1110C>G on transcript NM_022725.4 (MANE Select); coding-DNA position 1110, C replaced by G.
Protein change: p.Gly370=; no amino-acid change (glycine 370 retained).
Molecular consequence: synonymous variant.
Genome position (GRCh38, 1-based): chr11:22,624,701, G>C on the plus strand (C>G on the coding strand, the complement: FANCF is on the minus strand). VCF-style: chr11-22624701-G-C. GRCh37 (hg19) VCF-style: chr11-22646247-G-C.
Identifiers: ClinVar variation 4702173 (VCV004702173.1).
Genomic context (GRCh38, chr11:22,624,701, plus strand): 5'-TTTGTAAACTATATATTCTATATTCAAGTAATAACACAGCATTGCCTATACAGAACTGAG[G>C]CCTGCGCTGAGACCCAAAACTTGTCTTTTCCTAAATGCACCACTACGAAGAGCTAATAAG-3'
Protein context (NP_073562.1, residues 360-374): RKRQVLGLSA[Gly370=]LSSV